The following is an entry in ClinVar:

NM_000195.5(HPS1):c.316C>G (p.Arg106Gly)

Gene: HPS1 (HPS1 biogenesis of lysosomal organelles complex 3 subunit 1; minus strand). Cytogenetic location: 10q24.2.
Variant type: single nucleotide variant.
Coding change: c.316C>G on transcript NM_000195.5 (MANE Select); coding-DNA position 316, C replaced by G.
Protein change: p.Arg106Gly; replaces arginine 106 with glycine.
Molecular consequence: missense variant. On other transcripts: 5 prime UTR variant (2), intron variant (7).
Genome position (GRCh38, 1-based): chr10:98,435,354, G>C on the plus strand (C>G on the coding strand, the complement: HPS1 is on the minus strand). VCF-style: chr10-98435354-G-C. GRCh37 (hg19) VCF-style: chr10-100195111-G-C.
Other names: NM_182639.4:c.316C>G; c.-601C>G (NM_001311345.2); c.316C>G, p.Arg106Gly (NM_001322476.2, NM_001322477.2, NM_001322478.2 and 5 more transcripts); c.-700C>G (NM_001322487.2); c.29+281C>G (NM_001322483.2, NM_001322485.2, NM_001322484.2); c.255+281C>G (NM_001322480.2, NM_001322482.2, NM_001322481.2); c.-519+281C>G (NM_001322489.2); short protein forms R106G.
Identifiers: ClinVar variation 1341383 (VCV001341383.6), dbSNP rs376557022, ClinGen allele CA5639434.

ClinVar aggregate classification (germline): Conflicting classifications of pathogenicity. Review status: criteria provided, conflicting classifications (1 of 4 stars). 2 submissions from 2 submitters: Likely pathogenic (1); Uncertain significance (1). Last evaluated 2022-10-12.

Conditions:
Hermansky-Pudlak syndrome (HPS). Also called: ALBINISM WITH HEMORRHAGIC DIATHESIS AND PIGMENTED RETICULOENDOTHELIAL CELLS. Identifiers: Orphanet 79430, MedGen C0079504, MONDO:0019312.

Allele frequency attached by ClinVar (database versions not stated): ESP Exome Variant Server 0.00008.
gnomAD v4.1: 2 of 1,613,810 alleles (0.00012%); highest among the groups gnomAD compares: African/African-American, 0.0027%; no homozygotes.

Submissions (2):

Labcorp Genetics (formerly Invitae), Labcorp
Classification: Likely pathogenic. Last evaluated: 2022-10-12. Review status: criteria provided, single submitter. Criteria: Invitae Variant Classification Sherloc (09022015). Collection method: clinical testing. Allele origin: germline.
Comment: ClinVar contains an entry for this variant (Variation ID: 1341383). In summary, the currently available evidence indicates that the variant is pathogenic, but additional data are needed to prove that conclusively. Therefore, this variant has been classified as Likely Pathogenic. Advanced modeling of protein sequence and biophysical properties (such as structural, functional, and spatial information, amino acid conservation, physicochemical variation, residue mobility, and thermodynamic stability) has been performed at Invitae for this missense variant, however the output from this modeling did not meet the statistical confidence thresholds required to predict the impact of this variant on HPS1 protein function. This missense change has been observed in individual(s) with Hermansky-Pudlak syndrome (PMID: 27593200). In at least one individual the data is consistent with being in trans (on the opposite chromosome) from a pathogenic variant. It has also been observed to segregate with disease in related individuals. This variant is present in population databases (rs376557022, gnomAD 0.008%). This sequence change replaces arginine, which is basic and polar, with glycine, which is neutral and non-polar, at codon 106 of the HPS1 protein (p.Arg106Gly).

Broad Center for Mendelian Genomics, Broad Institute of MIT and Harvard
Classification: Uncertain significance for Hermansky-Pudlak syndrome. Last evaluated: 2021-11-29. Review status: criteria provided, single submitter. Criteria: ACMG Guidelines, 2015. Collection method: curation. Allele origin: germline. Inheritance: Autosomal recessive inheritance.
Comment: The p.Arg106Gly variant in HPS1 has been reported in 1 individual, in the compound heterozygous state, with Hermansky-Pudlak syndrome (PMID: 31141302), and has been identified in 0.008% (2/24946) of African/African-American chromosomes by the Genome Aggregation Database (gnomAD; dbSNP ID: rs376557022). Although this variant has been seen in the general population in a heterozygous state, its frequency is low enough to be consistent with a recessive carrier frequency. Computational prediction tools and conservation analyses do not provide strong support for or against an impact to the protein. In summary, the clinical significance of the p.Arg106Gly variant is uncertain. ACMG/AMP Criteria applied: PM2_supporting, PM3 (Richards 2015).

Literature cited by the submitters: PubMed 27593200 (cited by Labcorp Genetics (formerly Invitae), Labcorp).